The following is an entry in ClinVar:

NM_020919.4(ALS2):c.4573dup (p.Val1525fs)

Gene: ALS2 (alsin Rho guanine nucleotide exchange factor ALS2; minus strand). Cytogenetic location: 2q33.1.
Variant type: Duplication.
Coding change: c.4573dup on transcript NM_020919.4 (MANE Select); coding-DNA position 4573, one base duplicated (G; older notation c.4573dupG).
Protein change: p.Val1525fs; shifts the reading frame from valine 1525.
Molecular consequence: frameshift variant.
Genome position (GRCh38, 1-based): chr2:201,706,853, C duplicated on the plus strand (G on the coding strand, the reverse complement: ALS2 is on the minus strand); the first of 4 consecutive C bases (chr2:201,706,853-201,706,856); duplicating any one gives the same sequence. VCF-style (leftmost placement, unchanged base first): chr2-201706852-A-AC. GRCh37 (hg19) VCF-style: chr2-202571575-A-AC.
Other names: NM_020919.4(ALS2):c.4573dup; p.Val1525fs; c.4573dupG (NM_020919.3); short protein forms V1525fs.
Identifiers: ClinVar variation 183240 (VCV000183240.5), dbSNP rs730882256, ClinGen allele CA273789.
Genomic context (GRCh38, chr2:201,706,852, plus strand): 5'-AGTTTGCATTTTAAATTAAAACCATTTGGTTGCGCTTGTAACTACTACACTTACCTCTGC[A>AC]CCCCAAGAAAGCCCAGGAGAGCAATATCTGGCTGCTTATTTAGTCGAAGGACACATTCCC-3'

ClinVar aggregate classification (germline): Pathogenic/Likely pathogenic. Review status: criteria provided, multiple submitters, no conflicts (2 of 4 stars). 3 submissions from 3 submitters: Pathogenic (1); Likely pathogenic (1). 1 of the submissions does not count toward it. Last evaluated 2022-05-04.

Conditions:
Amyotrophic lateral sclerosis type 2, juvenile. Also called: ALS, JUVENILE; Amyotrophic lateral sclerosis type 2. Identifiers: Orphanet 300605, MedGen C1859807, MONDO:0008780, OMIM 205100.
Infantile-onset ascending hereditary spastic paralysis (IAHSP). Also called: Infantile-Onset Ascending Hereditary Spastic Paralysis (IAHSP); Autosomal Recessive Juvenile Amyotrophic Lateral Sclerosis. Identifiers: Orphanet 293168, MedGen C2931441, MONDO:0011797, OMIM 607225. Disease mechanism: loss of function.

Submissions (3):

Broad Center for Mendelian Genomics, Broad Institute of MIT and Harvard
Classification: Pathogenic for Infantile-onset ascending hereditary spastic paralysis. Last evaluated: 2022-05-04. Review status: criteria provided, single submitter. Criteria: ACMG Guidelines, 2015. Collection method: curation. Allele origin: germline. Inheritance: Autosomal recessive inheritance.
Comment: The variant has been reported in 3 Turkish individuals with infantile-onset ascending hereditary spastic paralysis (PMID: 24562058, 33155358), segregated with disease in 1 affected relatives from 1 family (PMID: 24562058), and was absent from large population studies. This variant has been reported in ClinVar (Variation ID: 183240) as pathogenic by OMIM and as likely pathogenic by Cirak Lab, University Hospital Cologne. This variant is predicted to cause a frameshift, which alters the protein’s amino acid sequence beginning at position 1525 and leads to a premature termination codon 17 amino acids downstream. This alteration is then predicted to lead to a truncated or absent protein. Loss of function of the ALS2 gene is an established disease mechanism in autosomal recessive infantile-onset ascending hereditary spastic paralysis. The presence of this variant in 3 affected homozygotes and in 3 individuals with infantile-onset ascending hereditary spastic paralysis increases the likelihood that the p.Val1525GlyfsTer17 variant is pathogenic (PMID: 24562058). In summary, this variant meets criteria to be classified as pathogenic for infantile-onset ascending hereditary spastic paralysis in an autosomal recessive manner based on the predicted impact of the variant, its absence from control populations, and multiple homozygous occurrences in affected individuals. ACMG/AMP Criteria applied: PVS1, PM2, PM3, PP1 (Richards 2015).

Cirak Lab, University Hospital Cologne
Classification: Likely pathogenic for Infantile-onset ascending hereditary spastic paralysis. Last evaluated: 2019-10-30. Review status: criteria provided, single submitter. Criteria: ACMG Guidelines, 2015. Collection method: research. Allele origin: inherited. Affected: yes.

OMIM
Classification: Pathogenic for AMYOTROPHIC LATERAL SCLEROSIS 2, JUVENILE. Last evaluated: 2014-03-25. Review status: no assertion criteria provided. Collection method: literature only. Allele origin: germline. Not counted in ClinVar's aggregate classification.

Literature cited by the submitters: PubMed 24562058 (cited by OMIM).